The following is an entry in ClinVar:

ClinVar aggregate classification (germline): Likely benign. Review status: criteria provided, multiple submitters, no conflicts (2 of 4 stars). 5 submissions from 5 submitters: Likely benign (3). 2 of the submissions do not count toward it. Last evaluated 2025-12-09.

Conditions:
Brugada syndrome. Also called: Sudden unexpected nocturnal death syndrome; Sudden unexplained nocturnal death syndrome; Sudden Unexplained Death Syndrome; Sudden Unexplained Nocturnal Death Syndrome (SUNDS). Identifiers: Orphanet 130, MedGen C1142166, MONDO:0015263.
Cardiovascular phenotype. Identifiers: MedGen CN230736.

Allele frequency attached by ClinVar (database versions not stated): ExAC 0.00002; gnomAD exomes 0.00004; TOPMed 0.00005; gnomAD 0.00006 and 0.00007; 1000 Genomes Project 0.00020; 1000 Genomes Project 30x 0.00031.
gnomAD v4.1: 69 of 1,612,928 alleles (0.0043%); highest among the groups gnomAD compares: Non-Finnish European, 0.0047%; no homozygotes.

Submissions (5):

Labcorp Genetics (formerly Invitae), Labcorp
Classification: Likely benign for Brugada syndrome. Last evaluated: 2025-12-09. Review status: criteria provided, single submitter. Criteria: Invitae Variant Classification Sherloc (09022015). Collection method: clinical testing. Allele origin: germline.

Mayo Clinic Laboratories, Mayo Clinic
Classification: Likely benign. Last evaluated: 2024-10-22. Review status: criteria provided, single submitter. Criteria: ACMG Guidelines, 2015. Collection method: clinical testing. Allele origin: germline. Observed: 1 variant allele.
Comment: BP4, BP7

Ambry Genetics
Classification: Likely benign for Cardiovascular phenotype. Last evaluated: 2022-05-07. Review status: criteria provided, single submitter. Criteria: Ambry Variant Classification Scheme 2023. Collection method: clinical testing. Allele origin: germline.

Clinical Genetics, Academic Medical Center
Classification: Likely benign. Review status: no assertion criteria provided. Collection method: clinical testing. Allele origin: germline. Affected: yes. Study: VKGL Data-share Consensus. Not counted in ClinVar's aggregate classification.

Joint Genome Diagnostic Labs from Nijmegen and Maastricht, Radboudumc and MUMC+
Classification: Likely benign. Review status: no assertion criteria provided. Collection method: clinical testing. Allele origin: germline. Affected: yes. Study: VKGL Data-share Consensus. Not counted in ClinVar's aggregate classification.

NM_006514.4(SCN10A):c.2973G>A (p.Pro991=)

Genes: SCN10A (sodium voltage-gated channel alpha subunit 10; minus strand), LOC110121288 (VISTA enhancer hs2268; plus strand). Cytogenetic location: 3p22.2.
Variant type: single nucleotide variant.
Coding change: c.2973G>A on transcript NM_006514.4 (MANE Select); coding-DNA position 2973, G replaced by A.
Protein change: p.Pro991=; no amino-acid change (proline 991 retained).
Molecular consequence: synonymous variant.
Genome position (GRCh38, 1-based): chr3:38,726,720, C>T on the plus strand (G>A on the coding strand, the complement: SCN10A is on the minus strand). VCF-style: chr3-38726720-C-T. GRCh37 (hg19) VCF-style: chr3-38768211-C-T.
Other names: p.Pro991=; c.2973G>A (NM_006514.3); c.2973G>A, p.Pro991= (NM_001293306.2); c.2679G>A, p.Pro893= (NM_001293307.2).
Identifiers: ClinVar variation 809462 (VCV000809462.23), dbSNP rs201397469, ClinGen allele CA2320394.